The following is an entry in ClinVar:

NM_001366207.1(DLG1):c.1546+9A>G

Gene: DLG1 (discs large MAGUK scaffold protein 1; minus strand). Cytogenetic location: 3q29.
Variant type: single nucleotide variant.
Coding change: c.1546+9A>G on transcript NM_001366207.1 (MANE Select); 9 bases into the intron after coding-DNA position 1546, A replaced by G.
Molecular consequence: intron variant.
Genome position (GRCh38, 1-based): chr3:197,104,894, T>C on the plus strand (A>G on the coding strand, the complement: DLG1 is on the minus strand). VCF-style: chr3-197104894-T-C. GRCh37 (hg19) VCF-style: chr3-196831765-T-C.
Other names: c.1492+9A>G (NM_001366203.1, NM_001366206.1, NM_001366216.1 and 2 more transcripts); c.1645+9A>G (NM_001290983.2, NM_001098424.1, NM_004087.2 and 2 more transcripts); c.1546+9A>G (NM_001366204.1, NM_001366205.1, NM_001366208.1 and 9 more transcripts); c.1297+9A>G (NM_001204388.2, NM_001204387.2); c.1396+9A>G (NM_001366222.1, NM_001366221.1).
Identifiers: ClinVar variation 3032486 (VCV003032486.2), dbSNP rs370433327, ClinGen allele CA2785442.
Genomic context (GRCh38, chr3:197,104,894, plus strand): 5'-AAATATTAAAGAGGAAGAATTTTAAAAACTAAAATAAGCAATAACTATAGACAATAAGAA[T>C]GTTATTACCTTCAGGTCGATATTGTGCAACAATTGTGACAGCCTGGCCAGCATTTTTCAA-3'

ClinVar aggregate classification (germline): Likely benign (0 of 4 stars; one submission).

Conditions:
DLG1-related disorder. Also called: DLG1-related condition.

Allele frequency attached by ClinVar (database versions not stated): TOPMed 0.00004; gnomAD 0.00006; ESP Exome Variant Server 0.00015; gnomAD exomes 0.00019; ExAC 0.00033.
gnomAD v4.1: 274 of 1,575,756 alleles (0.017%); highest among the groups gnomAD compares: Non-Finnish European, 0.018%; no homozygotes.

Submission:

PreventionGenetics, part of Exact Sciences
Classification: Likely benign for DLG1-related condition. Last evaluated: 2023-03-26. Review status: no assertion criteria provided. Collection method: clinical testing. Allele origin: germline.
Comment: This variant is classified as likely benign based on ACMG/AMP sequence variant interpretation guidelines (Richards et al. 2015 PMID: 25741868, with internal and published modifications).